The following is an entry in ClinVar:

NM_001040108.2(MLH3):c.3875C>G (p.Pro1292Arg)

Gene: MLH3 (mutL homolog 3; minus strand). Cytogenetic location: 14q24.3.
Variant type: single nucleotide variant.
Coding change: c.3875C>G on transcript NM_001040108.2 (MANE Select); coding-DNA position 3875, C replaced by G.
Protein change: p.Pro1292Arg; replaces proline 1292 with arginine.
Molecular consequence: missense variant.
Genome position (GRCh38, 1-based): chr14:75,030,655, G>C on the plus strand (C>G on the coding strand, the complement: MLH3 is on the minus strand). VCF-style: chr14-75030655-G-C. GRCh37 (hg19) VCF-style: chr14-75497358-G-C.
Other names: c.3803C>G, p.Pro1268Arg (NM_014381.3); short protein forms P1268R, P1292R.
Identifiers: ClinVar variation 1735744 (VCV001735744.3), dbSNP rs1224715528, ClinGen allele CA390423045.

ClinVar aggregate classification (germline): Uncertain significance (1 of 4 stars; one submission).

Allele frequency attached by ClinVar (database versions not stated): TOPMed below 0.00001; gnomAD 0.00001; gnomAD exomes below 0.00001.
gnomAD v4.1: 4 of 1,613,682 alleles (0.00025%); highest among the groups gnomAD compares: East Asian, 0.0089%; no homozygotes.

Submission:

Ambry Genetics
Classification: Uncertain significance. Last evaluated: 2025-09-22. Review status: criteria provided, single submitter. Criteria: Ambry Variant Classification Scheme 2023. Collection method: clinical testing. Allele origin: germline.
Comment: The p.P1292R variant (also known as c.3875C>G), located in coding exon 8 of the MLH3 gene, results from a C to G substitution at nucleotide position 3875. The proline at codon 1292 is replaced by arginine, an amino acid with dissimilar properties. This amino acid position is conserved. In addition, this alteration is predicted to be deleterious by in silico analysis. Since supporting evidence is limited at this time, the clinical significance of this alteration remains unclear.